The following is an entry in ClinVar:

NM_033100.4(CDHR1):c.2473C>T (p.Pro825Ser)

Gene: CDHR1 (cadherin related family member 1; plus strand). Cytogenetic location: 10q23.1.
Variant type: single nucleotide variant.
Coding change: c.2473C>T on transcript NM_033100.4 (MANE Select); coding-DNA position 2473, C replaced by T.
Protein change: p.Pro825Ser; replaces proline 825 with serine.
Molecular consequence: missense variant. On other transcripts: intron variant (1).
Genome position (GRCh38, 1-based): chr10:84,214,514, C>T. VCF-style: chr10-84214514-C-T. GRCh37 (hg19) VCF-style: chr10-85974270-C-T.
Other names: c.2040+1166C>T (NM_001171971.3); short protein forms P825S.
Identifiers: ClinVar variation 1504275 (VCV001504275.8), dbSNP rs201515900, ClinGen allele CA5580250.

ClinVar aggregate classification (germline): Uncertain significance (1 of 4 stars; one submission).

gnomAD v4.1: 8 of 1,604,248 alleles (0.0005%); highest among the groups gnomAD compares: African/African-American, 0.004%; no homozygotes.

Submission:

Labcorp Genetics (formerly Invitae), Labcorp
Classification: Uncertain significance. Last evaluated: 2022-09-27. Review status: criteria provided, single submitter. Criteria: Invitae Variant Classification Sherloc (09022015). Collection method: clinical testing. Allele origin: germline.
Comment: In summary, the available evidence is currently insufficient to determine the role of this variant in disease. Therefore, it has been classified as a Variant of Uncertain Significance. Advanced modeling of protein sequence and biophysical properties (such as structural, functional, and spatial information, amino acid conservation, physicochemical variation, residue mobility, and thermodynamic stability) performed at Invitae indicates that this missense variant is not expected to disrupt CDHR1 protein function. ClinVar contains an entry for this variant (Variation ID: 1504275). This variant has not been reported in the literature in individuals affected with CDHR1-related conditions. This variant is present in population databases (rs201515900, gnomAD 0.01%). This sequence change replaces proline, which is neutral and non-polar, with serine, which is neutral and polar, at codon 825 of the CDHR1 protein (p.Pro825Ser).